The following is an entry in ClinVar:

ClinVar aggregate classification (germline): Uncertain significance (1 of 4 stars; one submission).

Conditions:
Charcot-Marie-Tooth disease type 2. Also called: Charcot-Marie-Tooth type 2. Identifiers: Orphanet 64746, MedGen C0270914, MONDO:0018993.

Allele frequency attached by ClinVar (database versions not stated): gnomAD exomes 0.00001 and below 0.00001; ExAC 0.00002.
gnomAD v4.1: 7 of 1,614,112 alleles (0.00043%); highest among the groups gnomAD compares: Non-Finnish European, 0.00042%; no homozygotes.

Submission:

Labcorp Genetics (formerly Invitae), Labcorp
Classification: Uncertain significance for Charcot-Marie-Tooth disease type 2. Last evaluated: 2021-01-02. Review status: criteria provided, single submitter. Criteria: Invitae Variant Classification Sherloc (09022015). Collection method: clinical testing. Allele origin: germline.
Comment: In summary, the available evidence is currently insufficient to determine the role of this variant in disease. Therefore, it has been classified as a Variant of Uncertain Significance. Algorithms developed to predict the effect of missense changes on protein structure and function (SIFT, PolyPhen-2, Align-GVGD) all suggest that this variant is likely to be disruptive, but these predictions have not been confirmed by published functional studies and their clinical significance is uncertain. This variant has not been reported in the literature in individuals with GARS-related conditions. This variant is present in population databases (rs776108138, ExAC 0.005%). This sequence change replaces aspartic acid with valine at codon 708 of the GARS protein (p.Asp708Val). The aspartic acid residue is highly conserved and there is a large physicochemical difference between aspartic acid and valine.

NM_002047.4(GARS1):c.2123A>T (p.Asp708Val)

Gene: GARS1 (glycyl-tRNA synthetase 1; plus strand). Cytogenetic location: 7p14.3.
Variant type: single nucleotide variant.
Coding change: c.2123A>T on transcript NM_002047.4 (MANE Select); coding-DNA position 2123, A replaced by T.
Protein change: p.Asp708Val; replaces aspartic acid 708 with valine.
Molecular consequence: missense variant.
Genome position (GRCh38, 1-based): chr7:30,633,763, A>T. VCF-style: chr7-30633763-A-T. GRCh37 (hg19) VCF-style: chr7-30673379-A-T.
Other names: c.1961A>T, p.Asp654Val (NM_001316772.1); short protein forms D654V, D708V.
Identifiers: ClinVar variation 1680963 (VCV001680963.8), dbSNP rs776108138, ClinGen allele CA4206167.